The following is an entry in ClinVar:

ClinVar aggregate classification (germline): Uncertain significance (1 of 4 stars; one submission).

Conditions:
Cardioencephalomyopathy, fatal infantile, due to cytochrome c oxidase deficiency 2 (MC4DN6). Also called: MITOCHONDRIAL COMPLEX IV DEFICIENCY, NUCLEAR TYPE 6. Identifiers: Orphanet 1561, MedGen C3554534, MONDO:0014051, OMIM 615119.

gnomAD v4.1: 7 of 1,613,722 alleles (0.00043%); highest among the groups gnomAD compares: South Asian, 0.0077%; no homozygotes.

Submission:

Diagnostics Services (NGS), CSIR - Centre For Cellular And Molecular Biology
Classification: Uncertain significance for Cardioencephalomyopathy, fatal infantile, due to cytochrome c oxidase deficiency 2. Last evaluated: 2025-06-18. Review status: criteria provided, single submitter. Criteria: ACMG Guidelines, 2015. Collection method: clinical testing. Allele origin: germline. Affected: yes. Observed: 1 variant allele, 1 homozygote.
Comment: The c.1019T>C variant is not present in publicly available population databases like 1000 Genomes, EVS, Indian Exome Database or our internal database. This variant is present in gnomAD at a low frequency. This variant has neither been published in the literature for COX15-related conditions nor reported to clinical databases like Human Genome Mutation database (HGMD), OMIM, or ClinVar in any affected individuals. In-silico pathogenicity prediction programs like Polyphen-2, MutationTaster2, CADD, etc predicted this variant to be likely deleterious, however these predictions were not confirmed by published functional studies.

NM_078470.6(COX15):c.1019T>C (p.Leu340Pro)

Gene: COX15 (cytochrome c oxidase assembly factor COX15; minus strand). Cytogenetic location: 10q24.2.
Variant type: single nucleotide variant.
Coding change: c.1019T>C on transcript NM_078470.6 (MANE Select); coding-DNA position 1019, T replaced by C.
Protein change: p.Leu340Pro; replaces leucine 340 with proline.
Molecular consequence: missense variant. On other transcripts: synonymous variant (2), non-coding transcript variant (1).
Genome position (GRCh38, 1-based): chr10:99,716,430, A>G on the plus strand (T>C on the coding strand, the complement: COX15 is on the minus strand). VCF-style: chr10-99716430-A-G. GRCh37 (hg19) VCF-style: chr10-101476187-A-G.
Other names: c.1019T>C, p.Leu340Pro (NM_001320974.2, NM_001372024.1, NM_001372027.1 and 1 more transcripts); c.864T>C, p.Ala288= (NM_001320975.2, NM_001372028.1); c.482T>C, p.Leu161Pro (NM_001320976.2); c.1037T>C, p.Leu346Pro (NM_001372025.1); c.992T>C, p.Leu331Pro (NM_001372026.1); short protein forms L161P, L331P, L340P, L346P.
Identifiers: ClinVar variation 4057289 (VCV004057289.1).